The following is an entry in ClinVar:

ClinVar aggregate classification (germline): Uncertain significance (1 of 4 stars; one submission).

Allele frequency attached by ClinVar (database versions not stated): gnomAD exomes below 0.00001; ExAC 0.00001.
gnomAD v4.1: 6 of 1,614,104 alleles (0.00037%); highest among the groups gnomAD compares: South Asian, 0.0033%; no homozygotes.

Submission:

Labcorp Genetics (formerly Invitae), Labcorp
Classification: Uncertain significance. Last evaluated: 2022-03-19. Review status: criteria provided, single submitter. Criteria: Invitae Variant Classification Sherloc (09022015). Collection method: clinical testing. Allele origin: germline.
Comment: This variant has not been reported in the literature in individuals affected with MYO5B-related conditions. In summary, the available evidence is currently insufficient to determine the role of this variant in disease. Therefore, it has been classified as a Variant of Uncertain Significance. Algorithms developed to predict the effect of missense changes on protein structure and function output the following: SIFT: "Tolerated"; PolyPhen-2: "Benign"; Align-GVGD: "Class C0". The valine amino acid residue is found in multiple mammalian species, which suggests that this missense change does not adversely affect protein function. This variant is present in population databases (rs773602695, gnomAD 0.006%). This sequence change replaces isoleucine, which is neutral and non-polar, with valine, which is neutral and non-polar, at codon 1116 of the MYO5B protein (p.Ile1116Val).

NM_001080467.3(MYO5B):c.3346A>G (p.Ile1116Val)

Gene: MYO5B (myosin VB; minus strand). Cytogenetic location: 18q21.1.
Variant type: single nucleotide variant.
Coding change: c.3346A>G on transcript NM_001080467.3 (MANE Select); coding-DNA position 3346, A replaced by G.
Protein change: p.Ile1116Val; replaces isoleucine 1116 with valine.
Molecular consequence: missense variant.
Genome position (GRCh38, 1-based): chr18:49,877,813, T>C on the plus strand (A>G on the coding strand, the complement: MYO5B is on the minus strand). VCF-style: chr18-49877813-T-C. GRCh37 (hg19) VCF-style: chr18-47404183-T-C.
Other names: short protein forms I1116V.
Identifiers: ClinVar variation 1959939 (VCV001959939.5), dbSNP rs773602695, ClinGen allele CA8960756.